The following is an entry in ClinVar:

ClinVar aggregate classification (germline): Pathogenic/Likely pathogenic. Review status: criteria provided, multiple submitters, no conflicts (2 of 4 stars). 3 submissions from 3 submitters: Pathogenic (2); Likely pathogenic (1). Last evaluated 2025-05-29.

Conditions:
Hereditary cancer-predisposing syndrome. Also called: Tumor predisposition; Neoplastic Syndromes, Hereditary; Hereditary Cancer Syndrome; Hereditary neoplastic syndrome. Identifiers: Orphanet 140162, MedGen C0027672, MeSH D009386, MONDO:0015356.
Oligodontia-cancer predisposition syndrome. Also called: TOOTH AGENESIS-COLORECTAL CANCER SYNDROME. Identifiers: Orphanet 300576, MedGen C1837750, MONDO:0012075, OMIM 608615. Disease mechanism: loss of function.

Submissions (3):

Ambry Genetics
Classification: Pathogenic for Hereditary cancer-predisposing syndrome. Last evaluated: 2025-05-29. Review status: criteria provided, single submitter. Criteria: Ambry Variant Classification Scheme 2023. Collection method: clinical testing. Allele origin: germline.
Comment: The c.2300delC pathogenic mutation, located in coding exon 9 of the AXIN2 gene, results from a deletion of one nucleotide at nucleotide position 2300, causing a translational frameshift with a predicted alternate stop codon (p.T767Ifs*15). This variant was reported in individual(s) with features consistent with oligodontia-cancer predisposition syndrome (Ambry internal data). This variant is considered to be rare based on population cohorts in the Genome Aggregation Database (gnomAD). This alteration is expected to result in loss of function by premature protein truncation or nonsense-mediated mRNA decay. As such, this alteration is interpreted as a disease-causing mutation.

GeneDx
Classification: Likely pathogenic. Last evaluated: 2025-04-23. Review status: criteria provided, single submitter. Criteria: GeneDx Variant Classification Process June 2021. Collection method: clinical testing. Allele origin: germline. Affected: yes.
Comment: Frameshift variant predicted to result in protein truncation or nonsense mediated decay in a gene for which loss of function is a known mechanism of disease; Not observed at significant frequency in large population cohorts (gnomAD); Has not been previously published as pathogenic or benign to our knowledge

Labcorp Genetics (formerly Invitae), Labcorp
Classification: Pathogenic for Oligodontia-cancer predisposition syndrome. Last evaluated: 2025-04-10. Review status: criteria provided, single submitter. Criteria: Invitae Variant Classification Sherloc (09022015). Collection method: clinical testing. Allele origin: germline.
Comment: This sequence change creates a premature translational stop signal (p.Thr767Ilefs*15) in the AXIN2 gene. It is expected to result in an absent or disrupted protein product. Loss-of-function variants in AXIN2 are known to be pathogenic (PMID: 15042511, 21416598). This variant is not present in population databases (gnomAD no frequency). This variant has not been reported in the literature in individuals affected with AXIN2-related conditions. ClinVar contains an entry for this variant (Variation ID: 1302086). For these reasons, this variant has been classified as Pathogenic.

Literature cited by the submitters: PubMed 15042511 (cited by Labcorp Genetics (formerly Invitae), Labcorp); PubMed 21416598 (cited by Labcorp Genetics (formerly Invitae), Labcorp).

NM_004655.4(AXIN2):c.2300del (p.Thr767fs)

Gene: AXIN2 (axin 2; minus strand). Cytogenetic location: 17q24.1.
Variant type: Deletion.
Coding change: c.2300del on transcript NM_004655.4 (MANE Select); coding-DNA position 2300, one base deleted (C; older notation c.2300delC).
Protein change: p.Thr767fs; shifts the reading frame from threonine 767.
Molecular consequence: frameshift variant.
Genome position (GRCh38, 1-based): chr17:65,534,017, G deleted on the plus strand (C on the coding strand, the reverse complement: AXIN2 is on the minus strand). VCF-style (leftmost placement, unchanged base first): chr17-65534016-AG-A. GRCh37 (hg19) VCF-style: chr17-63530134-AG-A.
Other names: c.2300delC (NM_004655.3); c.2105del, p.Thr702fs (NM_001363813.1); short protein forms T702fs, T767fs.
Identifiers: ClinVar variation 1302086 (VCV001302086.5), dbSNP rs2144419566, ClinGen allele CA2573054548.
Genomic context (GRCh38, chr17:65,534,016, plus strand): 5'-GGTCAAGCTCTGAGCCTTCAGCATCCTCCGGTATGGAATTTCTTCCCCACAGAAAAAGTA[AG>A]TGACAACCAACTCACTGGCCTGGAGCGCGTGGACACCTGCCAGTTTCTTTGGCTCTTTGT-3'